The following is an entry in ClinVar:

NM_001134407.3(GRIN2A):c.3539A>G (p.Asn1180Ser)

Gene: GRIN2A (glutamate ionotropic receptor NMDA type subunit 2A; minus strand). Cytogenetic location: 16p13.2.
Variant type: single nucleotide variant.
Coding change: c.3539A>G on transcript NM_001134407.3 (MANE Select); coding-DNA position 3539, A replaced by G.
Protein change: p.Asn1180Ser; replaces asparagine 1180 with serine.
Molecular consequence: missense variant.
Genome position (GRCh38, 1-based): chr16:9,764,005, T>C on the plus strand (A>G on the coding strand, the complement: GRIN2A is on the minus strand). VCF-style: chr16-9764005-T-C. GRCh37 (hg19) VCF-style: chr16-9857862-T-C.
Other names: c.3539A>G, p.Asn1180Ser (NM_000833.5, NM_001134408.2); short protein forms N1180S.
Identifiers: ClinVar variation 3719208 (VCV003719208.2).

ClinVar aggregate classification (germline): Uncertain significance (1 of 4 stars; one submission).

Conditions:
Landau-Kleffner syndrome (FESD). Also called: EPILEPSY, FOCAL, WITH SPEECH DISORDER AND WITH OR WITHOUT MENTAL RETARDATION; APHASIA, ACQUIRED, WITH EPILEPSY. Identifiers: Orphanet 1945, Orphanet 725, Orphanet 98818, MedGen C0282512, MONDO:0009509, OMIM 245570.

gnomAD v4.1: 6 of 1,614,042 alleles (0.00037%); highest among the groups gnomAD compares: African/African-American, 0.004%; no homozygotes.

Submission:

Labcorp Genetics (formerly Invitae), Labcorp
Classification: Uncertain significance for Landau-Kleffner syndrome. Last evaluated: 2024-11-06. Review status: criteria provided, single submitter. Criteria: Invitae Variant Classification Sherloc (09022015). Collection method: clinical testing. Allele origin: germline.
Comment: This sequence change replaces asparagine, which is neutral and polar, with serine, which is neutral and polar, at codon 1180 of the GRIN2A protein (p.Asn1180Ser). This variant is not present in population databases (gnomAD no frequency). This variant has not been reported in the literature in individuals affected with GRIN2A-related conditions. Invitae Evidence Modeling of protein sequence and biophysical properties (such as structural, functional, and spatial information, amino acid conservation, physicochemical variation, residue mobility, and thermodynamic stability) indicates that this missense variant is not expected to disrupt GRIN2A protein function with a negative predictive value of 95%. In summary, the available evidence is currently insufficient to determine the role of this variant in disease. Therefore, it has been classified as a Variant of Uncertain Significance.